The following is an entry in ClinVar:

ClinVar aggregate classification (germline): Uncertain significance (1 of 4 stars; one submission).

Conditions:
Dilated cardiomyopathy 1W (CMD1W). Identifiers: Orphanet 154, MedGen C1969639, MONDO:0012667, OMIM 611407.

gnomAD v4.1: 2 of 1,614,200 alleles (0.00012%); highest among the groups gnomAD compares: South Asian, 0.0011%; no homozygotes.

Submission:

Labcorp Genetics (formerly Invitae), Labcorp
Classification: Uncertain significance for Dilated cardiomyopathy 1W. Last evaluated: 2025-06-22. Review status: criteria provided, single submitter. Criteria: Invitae Variant Classification Sherloc (09022015). Collection method: clinical testing. Allele origin: germline.
Comment: This sequence change replaces alanine, which is neutral and non-polar, with glycine, which is neutral and non-polar, at codon 834 of the VCL protein (p.Ala834Gly). This variant is present in population databases (rs779983509, gnomAD 0.003%). This variant has not been reported in the literature in individuals affected with VCL-related conditions. An algorithm developed to predict the effect of missense changes on protein structure and function (PolyPhen-2) suggests that this variant is likely to be disruptive. In summary, the available evidence is currently insufficient to determine the role of this variant in disease. Therefore, it has been classified as a Variant of Uncertain Significance.

NM_014000.3(VCL):c.2501C>G (p.Ala834Gly)

Gene: VCL (vinculin; plus strand). Cytogenetic location: 10q22.2.
Variant type: single nucleotide variant.
Coding change: c.2501C>G on transcript NM_014000.3 (MANE Select); coding-DNA position 2501, C replaced by G.
Protein change: p.Ala834Gly; replaces alanine 834 with glycine.
Molecular consequence: missense variant.
Genome position (GRCh38, 1-based): chr10:74,107,296, C>G. VCF-style: chr10-74107296-C-G. GRCh37 (hg19) VCF-style: chr10-75867054-C-G.
Other names: c.2501C>G, p.Ala834Gly (NM_003373.4); short protein forms A834G.
Identifiers: ClinVar variation 4807559 (VCV004807559.1).
Genomic context (GRCh38, chr10:74,107,296, plus strand): 5'-AAAAGAGCTTCCTGGACTCAGGATATCGGATCCTGGGAGCTGTGGCCAAGGTCAGAGAAG[C>G]CTTCCAACCTCAGGAGCCTGACTTCCCGCCGCCTCCACCAGACCTTGAACAACTCCGAGT-3'
Protein context (NP_054706.1, residues 824-844): ILGAVAKVRE[Ala834Gly]FQPQEPDFPP